The following is an entry in ClinVar:

NM_002860.4(ALDH18A1):c.1691T>C (p.Val564Ala)

Gene: ALDH18A1 (aldehyde dehydrogenase 18 family member A1; minus strand). Cytogenetic location: 10q24.1.
Variant type: single nucleotide variant.
Coding change: c.1691T>C on transcript NM_002860.4 (MANE Select); coding-DNA position 1691, T replaced by C.
Protein change: p.Val564Ala; replaces valine 564 with alanine.
Molecular consequence: missense variant.
Genome position (GRCh38, 1-based): chr10:95,614,076, A>G on the plus strand (T>C on the coding strand, the complement: ALDH18A1 is on the minus strand). VCF-style: chr10-95614076-A-G. GRCh37 (hg19) VCF-style: chr10-97373833-A-G.
Other names: p.Val564Ala; c.1685T>C, p.Val562Ala (NM_001017423.2, NM_001323415.2); c.1358T>C, p.Val453Ala (NM_001323412.2, NM_001323416.2); c.1691T>C, p.Val564Ala (NM_001323413.2, NM_001323414.2); c.1586T>C, p.Val529Ala (NM_001323417.2); c.1352T>C, p.Val451Ala (NM_001323418.2); c.1055T>C, p.Val352Ala (NM_001323419.2); short protein forms V352A, V451A, V453A, V529A, V562A, V564A.
Identifiers: ClinVar variation 2442115 (VCV002442115.5), dbSNP rs1306790518, ClinGen allele CA377700730.

ClinVar aggregate classification (germline): Uncertain significance. Review status: criteria provided, multiple submitters, no conflicts (2 of 4 stars). 3 submissions from 3 submitters: Uncertain significance (3). Last evaluated 2024-02-01.

Conditions:
Cutis laxa, autosomal dominant 3 (ADCL3). Identifiers: Orphanet 90348, MedGen C4225268, MONDO:0014706, OMIM 616603.
Autosomal dominant spastic paraplegia type 9. Identifiers: MedGen C1832669, MONDO:0015091.
de Barsy syndrome. Also called: Cutis laxa-corneal clouding-oligophrenia syndrome. Identifiers: Orphanet 2962, MedGen C0268354, MONDO:0017569.
Autosomal recessive complex spastic paraplegia type 9B. Also called: Spastic paraplegia 9b, autosomal recessive. Identifiers: Orphanet 447760, MedGen C5568980, MONDO:0014702, OMIM 616586.

Allele frequency attached by ClinVar (database versions not stated): gnomAD exomes below 0.00001; TOPMed below 0.00001.
gnomAD v4.1: 1 of 1,614,126 alleles (0.000062%); highest among the groups gnomAD compares: Admixed American, 0.0017%; no homozygotes.

Submissions (3):

Labcorp Genetics (formerly Invitae), Labcorp
Classification: Uncertain significance for Autosomal dominant spastic paraplegia type 9; de Barsy syndrome; Cutis laxa, autosomal dominant 3. Last evaluated: 2024-02-01. Review status: criteria provided, single submitter. Criteria: Invitae Variant Classification Sherloc (09022015). Collection method: clinical testing. Allele origin: germline.
Comment: This sequence change replaces valine, which is neutral and non-polar, with alanine, which is neutral and non-polar, at codon 564 of the ALDH18A1 protein (p.Val564Ala). This variant is present in population databases (no rsID available, gnomAD 0.003%). This variant has not been reported in the literature in individuals affected with ALDH18A1-related conditions. ClinVar contains an entry for this variant (Variation ID: 2442115). Advanced modeling of protein sequence and biophysical properties (such as structural, functional, and spatial information, amino acid conservation, physicochemical variation, residue mobility, and thermodynamic stability) has been performed at Invitae for this missense variant, however the output from this modeling did not meet the statistical confidence thresholds required to predict the impact of this variant on ALDH18A1 protein function. In summary, the available evidence is currently insufficient to determine the role of this variant in disease. Therefore, it has been classified as a Variant of Uncertain Significance.

Mayo Clinic Laboratories, Mayo Clinic
Classification: Uncertain significance. Last evaluated: 2023-08-18. Review status: criteria provided, single submitter. Criteria: ACMG Guidelines, 2015. Collection method: clinical testing. Allele origin: germline. Observed: 1 variant allele.
Comment: PP3

Baylor Genetics
Classification: Uncertain significance for Autosomal recessive complex spastic paraplegia type 9B. Last evaluated: 2022-03-01. Review status: criteria provided, single submitter. Criteria: ACMG Guidelines, 2015. Collection method: clinical testing. Allele origin: unknown.